The following is an entry in ClinVar:

ClinVar aggregate classification (germline): Uncertain significance (1 of 4 stars; one submission).

Conditions:
Early-infantile DEE. Also called: Ohtahara syndrome; Early infantile epileptic encephalopathy with suppression bursts; Early infantile epileptic encephalopathy. Identifiers: Orphanet 1934, MedGen C0393706, MONDO:0800491.

Submission:

Labcorp Genetics (formerly Invitae), Labcorp
Classification: Uncertain significance for Early-infantile DEE. Last evaluated: 2022-07-05. Review status: criteria provided, single submitter. Criteria: Invitae Variant Classification Sherloc (09022015). Collection method: clinical testing. Allele origin: germline.
Comment: In summary, the available evidence is currently insufficient to determine the role of this variant in disease. Therefore, it has been classified as a Variant of Uncertain Significance. Algorithms developed to predict the effect of missense changes on protein structure and function are either unavailable or do not agree on the potential impact of this missense change (SIFT: "Deleterious"; PolyPhen-2: "Probably Damaging"; Align-GVGD: "Class C0"). ClinVar contains an entry for this variant (Variation ID: 1053997). This variant has not been reported in the literature in individuals affected with SCN8A-related conditions. This variant is not present in population databases (gnomAD no frequency). This sequence change replaces isoleucine, which is neutral and non-polar, with phenylalanine, which is neutral and non-polar, at codon 1762 of the SCN8A protein (p.Ile1762Phe).

NM_001330260.2(SCN8A):c.5284A>T (p.Ile1762Phe)

Gene: SCN8A (sodium voltage-gated channel alpha subunit 8; plus strand). Cytogenetic location: 12q13.13.
Variant type: single nucleotide variant.
Coding change: c.5284A>T on transcript NM_001330260.2 (MANE Select); coding-DNA position 5284, A replaced by T.
Protein change: p.Ile1762Phe; replaces isoleucine 1762 with phenylalanine.
Molecular consequence: missense variant.
Genome position (GRCh38, 1-based): chr12:51,806,770, A>T. VCF-style: chr12-51806770-A-T. GRCh37 (hg19) VCF-style: chr12-52200554-A-T.
Other names: c.5161A>T, p.Ile1721Phe (NM_001177984.3, NM_001369788.1); c.5284A>T, p.Ile1762Phe (NM_014191.4); short protein forms I1721F, I1762F.
Identifiers: ClinVar variation 1053997 (VCV001053997.10), dbSNP rs2138943320, ClinGen allele CA384885186.